The following is an entry in ClinVar:

ClinVar aggregate classification (germline): Uncertain significance (1 of 4 stars; one submission).

Submission:

GeneDx
Classification: Uncertain significance. Last evaluated: 2024-03-04. Review status: criteria provided, single submitter. Criteria: GeneDx Variant Classification Process June 2021. Collection method: clinical testing. Allele origin: germline. Affected: yes.
Comment: Not observed at significant frequency in large population cohorts (gnomAD); In silico analysis supports that this missense variant does not alter protein structure/function; Has not been previously published as pathogenic or benign to our knowledge; This variant is associated with the following publications: (PMID: 14633923)

NM_020975.6(RET):c.2032A>G (p.Arg678Gly)

Gene: RET (ret proto-oncogene; plus strand). Cytogenetic location: 10q11.21.
Variant type: single nucleotide variant.
Coding change: c.2032A>G on transcript NM_020975.6 (MANE Select); coding-DNA position 2032, A replaced by G.
Protein change: p.Arg678Gly; replaces arginine 678 with glycine.
Molecular consequence: missense variant.
Genome position (GRCh38, 1-based): chr10:43,114,632, A>G. VCF-style: chr10-43114632-A-G. GRCh37 (hg19) VCF-style: chr10-43610080-A-G.
Other names: c.1270A>G, p.Arg424Gly (NM_001355216.2); c.2032A>G, p.Arg678Gly (NM_001406743.1, NM_001406744.1, NM_001406759.1 and 2 more transcripts); c.1903A>G, p.Arg635Gly (NM_001406761.1, NM_001406762.1, NM_001406764.1); c.1897A>G, p.Arg633Gly (NM_001406763.1, NM_001406765.1); c.1744A>G, p.Arg582Gly (NM_001406766.1, NM_001406767.1, NM_001406770.1); c.1768A>G, p.Arg590Gly (NM_001406768.1); c.1636A>G, p.Arg546Gly (NM_001406769.1, NM_001406772.1); c.1594A>G, p.Arg532Gly (NM_001406771.1, NM_001406773.1); and 10 more; short protein forms R195G, R243G, R283G, R334G, R336G, R339G, R348G, R379G.
Identifiers: ClinVar variation 3373688 (VCV003373688.1).
Genomic context (GRCh38, chr10:43,114,632, plus strand): 5'-CACTGCTACCACAAGTTTGCCCACAAGCCACCCATCTCCTCAGCTGAGATGACCTTCCGG[A>G]GGCCCGCCCAGGCCTTCCCGGTCAGCTACTCCTCTTCCGGTGCCCGCCGGCCCTCGCTGG-3'
Protein context (NP_066124.1, residues 668-688): PISSAEMTFR[Arg678Gly]PAQAFPVSYS